The following is an entry in ClinVar:

NM_000875.5(IGF1R):c.1670C>T (p.Pro557Leu)

Gene: IGF1R (insulin like growth factor 1 receptor; plus strand). Cytogenetic location: 15q26.3.
Variant type: single nucleotide variant.
Coding change: c.1670C>T on transcript NM_000875.5 (MANE Select); coding-DNA position 1670, C replaced by T.
Protein change: p.Pro557Leu; replaces proline 557 with leucine.
Molecular consequence: missense variant.
Genome position (GRCh38, 1-based): chr15:98,913,124, C>T. VCF-style: chr15-98913124-C-T. GRCh37 (hg19) VCF-style: chr15-99456353-C-T.
Other names: c.1670C>T, p.Pro557Leu (NM_001291858.2); short protein forms P557L.
Identifiers: ClinVar variation 2980053 (VCV002980053.3), dbSNP rs371466243, ClinGen allele CA7752166.

ClinVar aggregate classification (germline): Uncertain significance (1 of 4 stars; one submission).

Allele frequency attached by ClinVar (database versions not stated): ExAC 0.00002; TOPMed 0.00002; gnomAD 0.00003; ESP Exome Variant Server 0.00008.
gnomAD v4.1: 17 of 1,614,082 alleles (0.0011%); highest among the groups gnomAD compares: African/African-American, 0.0027%; no homozygotes.

Submission:

Labcorp Genetics (formerly Invitae), Labcorp
Classification: Uncertain significance. Last evaluated: 2024-01-08. Review status: criteria provided, single submitter. Criteria: Invitae Variant Classification Sherloc (09022015). Collection method: clinical testing. Allele origin: germline.
Comment: This sequence change replaces proline, which is neutral and non-polar, with leucine, which is neutral and non-polar, at codon 557 of the IGF1R protein (p.Pro557Leu). This variant is present in population databases (rs371466243, gnomAD 0.003%). This variant has not been reported in the literature in individuals affected with IGF1R-related conditions. Advanced modeling of protein sequence and biophysical properties (such as structural, functional, and spatial information, amino acid conservation, physicochemical variation, residue mobility, and thermodynamic stability) performed at Invitae indicates that this missense variant is not expected to disrupt IGF1R protein function with a negative predictive value of 80%. In summary, the available evidence is currently insufficient to determine the role of this variant in disease. Therefore, it has been classified as a Variant of Uncertain Significance.